The following is an entry in ClinVar:

ClinVar aggregate classification (germline): Likely benign. Review status: criteria provided, single submitter (1 of 4 stars). 2 submissions from 2 submitters: Likely benign (1). 1 of the submissions does not count toward it. Last evaluated 2025-08-26.

Conditions:
Muscular dystrophy-dystroglycanopathy (congenital with brain and eye anomalies), type A9. Also called: WALKER-WARBURG SYNDROME OR MUSCLE-EYE BRAIN DISEASE, DAG1-RELATED; Muscular dystrophy-dystroglycanopathy (congenital with brain and eye anomalies), type a, 9. Identifiers: Orphanet 370997, Orphanet 899, MedGen C4225291, MONDO:0014683, OMIM 616538.
Autosomal recessive limb-girdle muscular dystrophy type 2P. Also called: Limb-Girdle Muscular Dystrophy Type 9C; MUSCULAR DYSTROPHY, LIMB-GIRDLE, TYPE 2P; MUSCULAR DYSTROPHY-DYSTROGLYCANOPATHY, LIMB-GIRDLE, DAG1-RELATED. Identifiers: Orphanet 280333, MedGen C4511963, MONDO:0013440, OMIM 613818.
DAG1-related disorder. Also called: DAG1-related condition.

Allele frequency attached by ClinVar (database versions not stated): gnomAD 0.00001; gnomAD exomes 0.00006 and 0.00001; 1000 Genomes Project 30x 0.00031; ExAC 0.00003; TOPMed 0.00005; 1000 Genomes Project 0.00020.
gnomAD v4.1: 21 of 1,614,132 alleles (0.0013%); highest among the groups gnomAD compares: East Asian, 0.045%; no homozygotes.

Submissions (2):

Labcorp Genetics (formerly Invitae), Labcorp
Classification: Likely benign for Autosomal recessive limb-girdle muscular dystrophy type 2P; Muscular dystrophy-dystroglycanopathy (congenital with brain and eye anomalies), type A9. Last evaluated: 2025-08-26. Review status: criteria provided, single submitter. Criteria: Invitae Variant Classification Sherloc (09022015). Collection method: clinical testing. Allele origin: germline.

PreventionGenetics, part of Exact Sciences
Classification: Likely benign for DAG1-related condition. Last evaluated: 2019-03-13. Review status: no assertion criteria provided. Collection method: clinical testing. Allele origin: germline. Not counted in ClinVar's aggregate classification.
Comment: This variant is classified as likely benign based on ACMG/AMP sequence variant interpretation guidelines (Richards et al. 2015 PMID: 25741868, with internal and published modifications).

NM_004393.6(DAG1):c.2370C>G (p.Thr790=)

Gene: DAG1 (dystroglycan 1; plus strand). Cytogenetic location: 3p21.31.
Variant type: single nucleotide variant.
Coding change: c.2370C>G on transcript NM_004393.6 (MANE Select); coding-DNA position 2370, C replaced by G.
Protein change: p.Thr790=; no amino-acid change (threonine 790 retained).
Molecular consequence: synonymous variant.
Genome position (GRCh38, 1-based): chr3:49,532,881, C>G. VCF-style: chr3-49532881-C-G. GRCh37 (hg19) VCF-style: chr3-49570314-C-G.
Other names: c.2370C>G (NM_001165928.3); c.2370C>G, p.Thr790= (NM_001165928.4, NM_001177634.3, NM_001177635.3 and 9 more transcripts).
Identifiers: ClinVar variation 774035 (VCV000774035.9), dbSNP rs200927931, ClinGen allele CA2399253.